The following is an entry in ClinVar:

ClinVar aggregate classification (germline): Uncertain significance. Review status: criteria provided, multiple submitters, no conflicts (2 of 4 stars). 2 submissions from 2 submitters: Uncertain significance (2). Last evaluated 2024-09-15.

Conditions:
Hereditary cancer-predisposing syndrome. Also called: Neoplastic Syndromes, Hereditary; Tumor predisposition; Hereditary neoplastic syndrome; Hereditary Cancer Syndrome. Identifiers: Orphanet 140162, MedGen C0027672, MeSH D009386, MONDO:0015356.

Submissions (2):

Ambry Genetics
Classification: Uncertain significance for Hereditary cancer-predisposing syndrome. Last evaluated: 2024-09-15. Review status: criteria provided, single submitter. Criteria: Ambry Variant Classification Scheme 2023. Collection method: clinical testing. Allele origin: germline.
Comment: The p.Y646H variant (also known as c.1936T>C), located in coding exon 14 of the MSH3 gene, results from a T to C substitution at nucleotide position 1936. The tyrosine at codon 646 is replaced by histidine, an amino acid with similar properties. This amino acid position is conserved. In addition, this alteration is predicted to be tolerated by in silico analysis. Based on the available evidence, the clinical significance of this variant remains unclear.

Labcorp Genetics (formerly Invitae), Labcorp
Classification: Uncertain significance. Last evaluated: 2018-07-26. Review status: criteria provided, single submitter. Criteria: Invitae Variant Classification Sherloc (09022015). Collection method: clinical testing. Allele origin: germline.
Comment: In summary, the available evidence is currently insufficient to determine the role of this variant in disease. Therefore, it has been classified as a Variant of Uncertain Significance. Algorithms developed to predict the effect of missense changes on protein structure and function output the following: SIFT: "Tolerated"; PolyPhen-2: "Benign"; Align-GVGD: "Class C0". The histidine amino acid residue is found in multiple mammalian species, suggesting that this missense change does not adversely affect protein function. These predictions have not been confirmed by published functional studies and their clinical significance is uncertain. This variant has not been reported in the literature in individuals with MSH3-related disease. This variant is not present in population databases (ExAC no frequency). This sequence change replaces tyrosine with histidine at codon 646 of the MSH3 protein (p.Tyr646His). The tyrosine residue is weakly conserved and there is a moderate physicochemical difference between tyrosine and histidine.

NM_002439.5(MSH3):c.1936T>C (p.Tyr646His)

Gene: MSH3 (mutS homolog 3; plus strand). Cytogenetic location: 5q14.1.
Variant type: single nucleotide variant.
Coding change: c.1936T>C on transcript NM_002439.5 (MANE Select); coding-DNA position 1936, T replaced by C.
Protein change: p.Tyr646His; replaces tyrosine 646 with histidine.
Molecular consequence: missense variant.
Genome position (GRCh38, 1-based): chr5:80,767,972, T>C. VCF-style: chr5-80767972-T-C. GRCh37 (hg19) VCF-style: chr5-80063791-T-C.
Other names: c.1936T>C (NM_002439.3); short protein forms Y646H.
Identifiers: ClinVar variation 643725 (VCV000643725.9), dbSNP rs1580033761, ClinGen allele CA360277514.